The following is an entry in ClinVar:

ClinVar aggregate classification (germline): Conflicting classifications of pathogenicity. Review status: criteria provided, conflicting classifications (1 of 4 stars). 4 submissions from 4 submitters: Likely pathogenic (3); Uncertain significance (1). Last evaluated 2024-10-19.

Conditions:
Short-rib thoracic dysplasia 10 with or without polydactyly (SRTD10). Identifiers: Orphanet 474, MedGen C3810175, MONDO:0014284, OMIM 615630.
Bardet-Biedl syndrome 20. Identifiers: MedGen C4310707, MONDO:0023670, OMIM 619471, MONDO:0014926.
Retinitis pigmentosa 71 (RP71). Identifiers: Orphanet 791, MedGen C4225342, MONDO:0014618, OMIM 616394.
IFT172-related disorder. Also called: IFT172-related disorders; IFT172-related condition.

Allele frequency attached by ClinVar (database versions not stated): gnomAD exomes below 0.00001; gnomAD 0.00001.
gnomAD v4.1: 2 of 1,614,066 alleles (0.00012%); highest among the groups gnomAD compares: Non-Finnish European, 0.00017%; no homozygotes.

Submissions (4):

PreventionGenetics, part of Exact Sciences
Classification: Likely pathogenic for IFT172-related condition. Last evaluated: 2024-10-19. Review status: criteria provided, single submitter. Criteria: ACMG Guidelines, 2015. Collection method: clinical testing. Allele origin: germline.
Comment: The IFT172 c.4914+1G>A variant is predicted to disrupt the GT donor site and interfere with normal splicing. This variant was reported as likely pathogenic in a large study of autosomal recessive inherited retinal diseases (Table S3, Hanany et al. 2020. PubMed ID: 31964843). This variant has not been reported in gnomAD, indicating that it is rare. Variants that disrupt the consensus splice donor site in IFT172 are expected to be pathogenic. This variant is interpreted as likely pathogenic.

Fulgent Genetics
Classification: Likely pathogenic for Short-rib thoracic dysplasia 10 with or without polydactyly; Retinitis pigmentosa 71; Bardet-Biedl syndrome 20. Last evaluated: 2024-05-08. Review status: criteria provided, single submitter. Criteria: ACMG Guidelines, 2015. Collection method: clinical testing. Allele origin: germline.

Labcorp Genetics (formerly Invitae), Labcorp
Classification: Likely pathogenic for Retinitis pigmentosa 71; Short-rib thoracic dysplasia 10 with or without polydactyly. Last evaluated: 2021-12-01. Review status: criteria provided, single submitter. Criteria: Invitae Variant Classification Sherloc (09022015). Collection method: clinical testing. Allele origin: germline.
Comment: In summary, the currently available evidence indicates that the variant is pathogenic, but additional data are needed to prove that conclusively. Therefore, this variant has been classified as Likely Pathogenic. Algorithms developed to predict the effect of sequence changes on RNA splicing suggest that this variant may disrupt the consensus splice site. This variant has not been reported in the literature in individuals affected with IFT172-related conditions. This variant is present in population databases (no rsID available, gnomAD 0.007%). This sequence change affects a donor splice site in intron 45 of the IFT172 gene. It is expected to disrupt RNA splicing. Variants that disrupt the donor or acceptor splice site typically lead to a loss of protein function (PMID: 16199547), and loss-of-function variants in IFT172 are known to be pathogenic (PMID: 24140113).

Blueprint Genetics
Classification: Uncertain significance. Last evaluated: 2019-02-26. Review status: criteria provided, single submitter. Criteria: ACMG Guidelines, 2015. Collection method: clinical testing. Allele origin: germline.

Literature cited by the submitters: PubMed 16199547 (cited by Labcorp Genetics (formerly Invitae), Labcorp); PubMed 24140113 (cited by Labcorp Genetics (formerly Invitae), Labcorp).

NM_015662.3(IFT172):c.4914+1G>A

Genes: KRTCAP3 (keratinocyte associated protein 3; plus strand), IFT172 (intraflagellar transport 172; minus strand). Cytogenetic location: 2p23.3.
Variant type: single nucleotide variant.
Coding change: c.4914+1G>A on transcript NM_015662.3 (MANE Select); the canonical splice donor site of the intron after coding-DNA position 4914, G replaced by A.
Molecular consequence: splice donor variant. On other transcripts: intron variant (1).
Genome position (GRCh38, 1-based): chr2:27,445,744, C>T on the plus strand (G>A on the coding strand, the complement: IFT172 is on the minus strand). VCF-style: chr2-27445744-C-T. GRCh37 (hg19) VCF-style: chr2-27668611-C-T.
Other names: c.4914+1G>A (NM_015662.2); c.*6-557C>T (NM_001168364.2); c.4848+1G>A (NM_001410739.1).
Identifiers: ClinVar variation 2125286 (VCV002125286.7), dbSNP rs1436511287, ClinGen allele CA346414258.